The following is an entry in ClinVar:

ClinVar aggregate classification (germline): Likely benign (0 of 4 stars; one submission).

Conditions:
NRP2-related disorder. Also called: NRP2-related condition.

Allele frequency attached by ClinVar (database versions not stated): ExAC 0.00002; gnomAD exomes 0.00002; gnomAD 0.00003; TOPMed 0.00005.

Submission:

PreventionGenetics, part of Exact Sciences
Classification: Likely benign for NRP2-related condition. Last evaluated: 2021-08-31. Review status: no assertion criteria provided. Collection method: clinical testing. Allele origin: germline.
Comment: This variant is classified as likely benign based on ACMG/AMP sequence variant interpretation guidelines (Richards et al. 2015 PMID: 25741868, with internal and published modifications).

NM_003872.3(NRP2):c.2475T>C (p.Asp825=)

Gene: NRP2 (neuropilin 2; plus strand). Cytogenetic location: 2q33.3.
Variant type: single nucleotide variant.
Coding change: c.2475T>C on transcript NM_003872.3 (MANE Select); coding-DNA position 2475, T replaced by C.
Protein change: p.Asp825=; no amino-acid change (aspartic acid 825 retained).
Molecular consequence: synonymous variant. On other transcripts: intron variant (1).
Genome position (GRCh38, 1-based): chr2:205,792,284, T>C. VCF-style: chr2-205792284-T-C. GRCh37 (hg19) VCF-style: chr2-206657008-T-C.
Other names: c.2490T>C, p.Asp830= (NM_201266.2); c.2426-2470T>C (NM_201279.2).
Identifiers: ClinVar variation 3052137 (VCV003052137.2), dbSNP rs763481377, ClinGen allele CA2069572.